The following is an entry in ClinVar:

ClinVar aggregate classification (germline): Uncertain significance (1 of 4 stars; one submission).

Conditions:
Intellectual developmental disorder with autism and speech delay. Also called: AUTISM-RELATED SPEECH DELAY; PHRASE SPEECH DELAY, AUTISM-RELATED; Autism 5; AUTS5; Autism, susceptibility to, 5. Identifiers: MedGen C1853755, MONDO:0011627, OMIM 606053.

Submission:

Dasa
Classification: Uncertain significance for autism, susceptibility to, 5. Last evaluated: 2025-08-26. Review status: criteria provided, single submitter. Criteria: DASA Assertion Criteria. Collection method: clinical testing. Allele origin: germline.
Comment: NM_006593.4(TBR1):c.1190+8A>C is a splice-region variant. This variant is absent from population databases. Computational prediction algorithms are consistent with a benign effect. The currently available literature and clinical evidence are not sufficient to establish a definitive association between this variant and the reported condition. Therefore, this variant is classified as a variant of uncertain significance.

NM_006593.4(TBR1):c.1190+8A>C

Gene: TBR1 (T-box brain transcription factor 1; plus strand). Cytogenetic location: 2q24.2.
Variant type: single nucleotide variant.
Coding change: c.1190+8A>C on transcript NM_006593.4 (MANE Select); 8 bases into the intron after coding-DNA position 1190, A replaced by C.
Molecular consequence: intron variant.
Genome position (GRCh38, 1-based): chr2:161,420,265, A>C. VCF-style: chr2-161420265-A-C. GRCh37 (hg19) VCF-style: chr2-162276776-A-C.
Identifiers: ClinVar variation 4882022 (VCV004882022.2).
Genomic context (GRCh38, chr2:161,420,265, plus strand): 5'-CTGAAAATAGATCACAACCCTTTTGCAAAAGGATTTCGGGATAATTATGACACGTAAGTA[A>C]CTTTGTATCTTCCTTTTCAAATAGCTGTGGAATTGGGCTTTAGGTCAAAGGTGTATTATT-3'